The following is an entry in ClinVar:

NM_000135.4(FANCA):c.688G>A (p.Val230Ile)

Gene: FANCA (FA complementation group A; minus strand). Cytogenetic location: 16q24.3.
Variant type: single nucleotide variant.
Coding change: c.688G>A on transcript NM_000135.4 (MANE Select); coding-DNA position 688, G replaced by A.
Protein change: p.Val230Ile; replaces valine 230 with isoleucine.
Molecular consequence: missense variant.
Genome position (GRCh38, 1-based): chr16:89,805,301, C>T on the plus strand (G>A on the coding strand, the complement: FANCA is on the minus strand). VCF-style: chr16-89805301-C-T. GRCh37 (hg19) VCF-style: chr16-89871709-C-T.
Other names: c.688G>A (LRG_495t1, NM_000135.3); c.688G>A, p.Val230Ile (NM_001018112.3, NM_001286167.3); c.592G>A, p.Val198Ile (NM_001351830.2); short protein forms V230I, V198I.
Identifiers: ClinVar variation 321366 (VCV000321366.24), dbSNP rs144560850, ClinGen allele CA8252857.

ClinVar aggregate classification (germline): Conflicting classifications of pathogenicity. Review status: criteria provided, conflicting classifications (1 of 4 stars). 8 submissions from 8 submitters: Uncertain significance (1); Benign (1); Likely benign (4). 2 of the submissions do not count toward it. Last evaluated 2026-01-28.

Conditions:
Fanconi anemia complementation group A (FANCA). Also called: Fanconi anemia, group A; FANCA-Related Fanconi Anemia. Identifiers: Orphanet 84, MedGen C3469521, MONDO:0009215, OMIM 227650.
FANCA-related disorder. Also called: FANCA-related condition.
Fanconi anemia (FA). Also called: Fanconi's anemia. Identifiers: Orphanet 84, MedGen C0015625, MeSH D005199, MONDO:0019391.

Allele frequency attached by ClinVar (database versions not stated): gnomAD exomes 0.00013 and 0.00027; gnomAD 0.00016; TOPMed 0.00019; ExAC 0.00023; ESP Exome Variant Server 0.00023.
gnomAD v4.1: 233 of 1,613,616 alleles (0.014%); highest among the groups gnomAD compares: Middle Eastern, 0.082%; 1 homozygote.

Submissions (8):

Labcorp Genetics (formerly Invitae), Labcorp
Classification: Likely benign for Fanconi anemia. Last evaluated: 2026-01-28. Review status: criteria provided, single submitter. Criteria: Invitae Variant Classification Sherloc (09022015). Collection method: clinical testing. Allele origin: germline.

Blueprint Genetics
Classification: Likely benign. Last evaluated: 2024-09-02. Review status: criteria provided, single submitter. Criteria: ACMG Guidelines, 2015. Collection method: clinical testing. Allele origin: germline.

Sema4
Classification: Likely benign for Fanconi anemia. Last evaluated: 2021-09-26. Review status: criteria provided, single submitter. Criteria: Sema4 Curation Guidelines. Collection method: curation. Allele origin: germline.

Quest Diagnostics Nichols Institute San Juan Capistrano
Classification: Benign. Last evaluated: 2021-06-23. Review status: criteria provided, single submitter. Criteria: Quest Diagnostics criteria. Collection method: clinical testing. Allele origin: unknown.

Genetic Services Laboratory, University of Chicago
Classification: Likely benign. Last evaluated: 2020-09-23. Review status: criteria provided, single submitter. Criteria: ACMG Guidelines, 2015. Collection method: clinical testing. Allele origin: germline. Affected: no.

Illumina Laboratory Services, Illumina
Classification: Uncertain significance for Fanconi anemia complementation group A. Last evaluated: 2018-01-13. Review status: criteria provided, single submitter. Criteria: ICSL Variant Classification Criteria 13 December 2019. Collection method: clinical testing. Allele origin: germline.

PreventionGenetics, part of Exact Sciences
Classification: Likely benign for FANCA-related condition. Last evaluated: 2022-09-21. Review status: no assertion criteria provided. Collection method: clinical testing. Allele origin: germline. Not counted in ClinVar's aggregate classification.
Comment: This variant is classified as likely benign based on ACMG/AMP sequence variant interpretation guidelines (Richards et al. 2015 PMID: 25741868, with internal and published modifications).

Natera, Inc.
Classification: Likely benign for Fanconi anemia, group A. Last evaluated: 2020-09-16. Review status: no assertion criteria provided. Collection method: clinical testing. Allele origin: germline. Not counted in ClinVar's aggregate classification.

Literature cited by the submitters: PubMed 32947577 (cited by Sema4); PubMed 29098742 (cited by Sema4 and Quest Diagnostics Nichols Institute San Juan Capistrano); PubMed 28678401 (cited by Quest Diagnostics Nichols Institute San Juan Capistrano).